The following is an entry in ClinVar:

ClinVar aggregate classification (germline): Uncertain significance (1 of 4 stars; one submission).

Submission:

Labcorp Genetics (formerly Invitae), Labcorp
Classification: Uncertain significance. Last evaluated: 2025-03-18. Review status: criteria provided, single submitter. Criteria: Invitae Variant Classification Sherloc (09022015). Collection method: clinical testing. Allele origin: germline.
Comment: This sequence change replaces proline, which is neutral and non-polar, with histidine, which is basic and polar, at codon 262 of the RFWD3 protein (p.Pro262His). This variant is not present in population databases (gnomAD no frequency). This variant has not been reported in the literature in individuals affected with RFWD3-related conditions. An algorithm developed to predict the effect of missense changes on protein structure and function outputs the following: PolyPhen-2: "Benign". The histidine amino acid residue is found in multiple mammalian species, which suggests that this missense change does not adversely affect protein function. In summary, the available evidence is currently insufficient to determine the role of this variant in disease. Therefore, it has been classified as a Variant of Uncertain Significance.

NM_018124.4(RFWD3):c.785C>A (p.Pro262His)

Gene: RFWD3 (ring finger and WD repeat domain 3; minus strand). Cytogenetic location: 16q23.1.
Variant type: single nucleotide variant.
Coding change: c.785C>A on transcript NM_018124.4 (MANE Select); coding-DNA position 785, C replaced by A.
Protein change: p.Pro262His; replaces proline 262 with histidine.
Molecular consequence: missense variant. On other transcripts: 5 prime UTR variant (3), intron variant (2).
Genome position (GRCh38, 1-based): chr16:74,649,139, G>T on the plus strand (C>A on the coding strand, the complement: RFWD3 is on the minus strand). VCF-style: chr16-74649139-G-T. GRCh37 (hg19) VCF-style: chr16-74683037-G-T.
Other names: c.785C>A, p.Pro262His (NM_001370534.1, NM_001370535.1, NM_001370536.1); c.-224C>A (NM_001370537.1); c.-50C>A (NM_001370539.1, NM_001370540.1); c.-43+2781C>A (NM_001370543.1); c.-164-61C>A (NM_001370542.1); short protein forms P262H.
Identifiers: ClinVar variation 4715304 (VCV004715304.1).